The following is an entry in ClinVar:

ClinVar aggregate classification (germline): Conflicting classifications of pathogenicity. Review status: criteria provided, conflicting classifications (1 of 4 stars). 2 submissions from 2 submitters: Uncertain significance (1); Likely benign (1). Last evaluated 2026-09-14.

Conditions:
Hereditary cancer-predisposing syndrome. Also called: Tumor predisposition; Hereditary neoplastic syndrome; Hereditary Cancer Syndrome; Neoplastic Syndromes, Hereditary. Identifiers: Orphanet 140162, MedGen C0027672, MeSH D009386, MONDO:0015356.
Retinoblastoma (RB1). Also called: RETINOBLASTOMA, SOMATIC. Identifiers: Orphanet 790, MedGen C0035335, MeSH D012175, MONDO:0008380, OMIM 180200, HP:0009919. Disease mechanism: loss of function. Inheritance: Both sporadic and heritable forms are tested..

Submissions (2):

Ambry Genetics
Classification: Likely benign for Hereditary cancer-predisposing syndrome. Last evaluated: 2026-09-14. Review status: criteria provided, single submitter. Criteria: Ambry Variant Classification Scheme 2023. Collection method: clinical testing. Allele origin: germline.

Labcorp Genetics (formerly Invitae), Labcorp
Classification: Uncertain significance for Retinoblastoma. Last evaluated: 2024-04-07. Review status: criteria provided, single submitter. Criteria: Invitae Variant Classification Sherloc (09022015). Collection method: clinical testing. Allele origin: germline.
Comment: This sequence change replaces asparagine, which is neutral and polar, with threonine, which is neutral and polar, at codon 133 of the RB1 protein (p.Asn133Thr). This variant is not present in population databases (gnomAD no frequency). This variant has not been reported in the literature in individuals affected with RB1-related conditions. Advanced modeling of protein sequence and biophysical properties (such as structural, functional, and spatial information, amino acid conservation, physicochemical variation, residue mobility, and thermodynamic stability) performed at Invitae indicates that this missense variant is not expected to disrupt RB1 protein function with a negative predictive value of 80%. In summary, the available evidence is currently insufficient to determine the role of this variant in disease. Therefore, it has been classified as a Variant of Uncertain Significance.

NM_000321.3(RB1):c.398A>C (p.Asn133Thr)

Gene: RB1 (RB transcriptional corepressor 1; plus strand). Cytogenetic location: 13q14.2.
Variant type: single nucleotide variant.
Coding change: c.398A>C on transcript NM_000321.3 (MANE Select); coding-DNA position 398, A replaced by C.
Protein change: p.Asn133Thr; replaces asparagine 133 with threonine.
Molecular consequence: missense variant.
Genome position (GRCh38, 1-based): chr13:48,345,097, A>C. VCF-style: chr13-48345097-A-C. GRCh37 (hg19) VCF-style: chr13-48919233-A-C.
Other names: c.398A>C, p.Asn133Thr (NM_001407165.1, NM_001407166.1); short protein forms N133T.
Identifiers: ClinVar variation 3649049 (VCV003649049.3).